The following is an entry in ClinVar:

NM_002948.5(RPL15):c.145C>T (p.Arg49Cys)

Genes: NKIRAS1 (NFKB inhibitor interacting Ras like 1; minus strand), RPL15 (ribosomal protein L15; plus strand). Cytogenetic location: 3p24.2.
Variant type: single nucleotide variant.
Coding change: c.145C>T on transcript NM_002948.5 (MANE Select); coding-DNA position 145, C replaced by T.
Protein change: p.Arg49Cys; replaces arginine 49 with cysteine.
Molecular consequence: missense variant. On other transcripts: intron variant (1).
Genome position (GRCh38, 1-based): chr3:23,918,004, C>T. VCF-style: chr3-23918004-C-T. GRCh37 (hg19) VCF-style: chr3-23959495-C-T.
Other names: c.145C>T, p.Arg49Cys (NM_001253379.2, NM_001253380.2, NM_001253382.2 and 2 more transcripts); c.-139-6554G>A (NM_001377380.1); short protein forms R49C.
Identifiers: ClinVar variation 1477433 (VCV001477433.46), dbSNP rs1368142965, ClinGen allele CA351881471.

ClinVar aggregate classification (germline): Uncertain significance (1 of 4 stars; one submission).

Allele frequency attached by ClinVar (database versions not stated): TOPMed 0.00001; gnomAD 0.00001; gnomAD exomes 0.00001.
gnomAD v4.1: 10 of 1,610,170 alleles (0.00062%); highest among the groups gnomAD compares: Non-Finnish European, 0.00085%; no homozygotes.

Submission:

Labcorp Genetics (formerly Invitae), Labcorp
Classification: Uncertain significance. Last evaluated: 2025-06-12. Review status: criteria provided, single submitter. Criteria: Invitae Variant Classification Sherloc (09022015). Collection method: clinical testing. Allele origin: germline.
Comment: This sequence change replaces arginine, which is basic and polar, with cysteine, which is neutral and slightly polar, at codon 49 of the RPL15 protein (p.Arg49Cys). This variant is not present in population databases (gnomAD no frequency). This variant has not been reported in the literature in individuals affected with RPL15-related conditions. ClinVar contains an entry for this variant (Variation ID: 1477433). An algorithm developed to predict the effect of missense changes on protein structure and function (PolyPhen-2) suggests that this variant is likely to be tolerated. In summary, the available evidence is currently insufficient to determine the role of this variant in disease. Therefore, it has been classified as a Variant of Uncertain Significance.